The following is an entry in ClinVar:

NM_000051.4(ATM):c.2966dup (p.Ile990fs)

Gene: ATM (ATM serine/threonine kinase; plus strand). Cytogenetic location: 11q22.3.
Variant type: Duplication.
Coding change: c.2966dup on transcript NM_000051.4 (MANE Select); coding-DNA position 2966, one base duplicated (C; older notation c.2966dupC).
Protein change: p.Ile990fs; shifts the reading frame from isoleucine 990.
Molecular consequence: frameshift variant.
Genome position (GRCh38, 1-based): chr11:108,271,295, C duplicated. VCF-style (leftmost placement, unchanged base first): chr11-108271294-A-AC. GRCh37 (hg19) VCF-style: chr11-108142021-A-AC.
Other names: c.2966dup, p.Ile990fs (NM_001351834.2); c.2966dupC (NM_000051.3); short protein forms I990fs.
Identifiers: ClinVar variation 487446 (VCV000487446.5), dbSNP rs1555085060, ClinGen allele CA658656165.

ClinVar aggregate classification (germline): Pathogenic. Review status: criteria provided, multiple submitters, no conflicts (2 of 4 stars). 3 submissions from 3 submitters: Pathogenic (2). 1 of the submissions does not count toward it. Last evaluated 2023-01-09.

Conditions:
Hereditary cancer-predisposing syndrome. Also called: Tumor predisposition; Neoplastic Syndromes, Hereditary; Hereditary Cancer Syndrome; Hereditary neoplastic syndrome. Identifiers: Orphanet 140162, MedGen C0027672, MeSH D009386, MONDO:0015356.
Familial cancer of breast. Also called: BREAST CANCER, FAMILIAL; hereditary breast carcinoma; Hereditary breast cancer. Identifiers: Orphanet 227535, MedGen C0346153, MONDO:0016419, OMIM 114480. Disease mechanism: loss of function.
Ataxia-telangiectasia syndrome (AT). Also called: Ataxia-telangiectasia; Ataxia-telangiectasia, complementation group D; AT, COMPLEMENTATION GROUP C; LOUIS-BAR SYNDROME; Cerebello-oculocutaneous telangiectasia; Immunodeficiency with ataxia telangiectasia. Identifiers: Orphanet 100, MedGen C0004135, MONDO:0008840, OMIM 208900.

Submissions (3):

Myriad Genetics, Inc.
Classification: Pathogenic for Familial cancer of breast. Last evaluated: 2023-01-09. Review status: criteria provided, single submitter. Criteria: Myriad Autosomal Dominant, Autosomal Recessive and X-Linked Classification Criteria (2023). Collection method: clinical testing. Allele origin: unknown.
Comment: This variant is considered pathogenic. This variant creates a frameshift predicted to result in premature protein truncation.

Ambry Genetics
Classification: Pathogenic for Hereditary cancer-predisposing syndrome. Last evaluated: 2017-07-10. Review status: criteria provided, single submitter. Criteria: Ambry Variant Classification Scheme 2023. Collection method: clinical testing. Allele origin: germline.
Comment: The c.2966dupC pathogenic mutation, located in coding exon 19 of the ATM gene, results from a duplication of C at nucleotide position 2966, causing a translational frameshift with a predicted alternate stop codon (p.I990Yfs*20). This alteration is expected to result in loss of function by premature protein truncation or nonsense-mediated mRNA decay. As such, this alteration is interpreted as a disease-causing mutation.

Counsyl
Classification: Likely pathogenic for Ataxia-telangiectasia syndrome. Last evaluated: 2017-06-16. Review status: no assertion criteria provided. Collection method: clinical testing. Allele origin: unknown. Not counted in ClinVar's aggregate classification.